The following is an entry in ClinVar:

NM_033004.4(NLRP1):c.395C>T (p.Ser132Leu)

Gene: NLRP1 (NLR family pyrin domain containing 1; minus strand). Cytogenetic location: 17p13.2.
Variant type: single nucleotide variant.
Coding change: c.395C>T on transcript NM_033004.4 (MANE Select); coding-DNA position 395, C replaced by T.
Protein change: p.Ser132Leu; replaces serine 132 with leucine.
Molecular consequence: missense variant.
Genome position (GRCh38, 1-based): chr17:5,582,723, G>A on the plus strand (C>T on the coding strand, the complement: NLRP1 is on the minus strand). VCF-style: chr17-5582723-G-A. GRCh37 (hg19) VCF-style: chr17-5486043-G-A.
Other names: c.395C>T, p.Ser132Leu (NM_001033053.3, NM_014922.5, NM_033006.4 and 1 more transcripts); short protein forms S132L.
Identifiers: ClinVar variation 2010099 (VCV002010099.5), dbSNP rs1905819847, ClinGen allele CA397390067.

ClinVar aggregate classification (germline): Uncertain significance. Review status: criteria provided, multiple submitters, no conflicts (2 of 4 stars). 2 submissions from 2 submitters: Uncertain significance (2). Last evaluated 2022-09-16.

Submissions (2):

Labcorp Genetics (formerly Invitae), Labcorp
Classification: Uncertain significance. Last evaluated: 2022-09-16. Review status: criteria provided, single submitter. Criteria: Invitae Variant Classification Sherloc (09022015). Collection method: clinical testing. Allele origin: germline.
Comment: In summary, the available evidence is currently insufficient to determine the role of this variant in disease. Therefore, it has been classified as a Variant of Uncertain Significance. Algorithms developed to predict the effect of missense changes on protein structure and function (SIFT, PolyPhen-2, Align-GVGD) all suggest that this variant is likely to be tolerated. This variant has not been reported in the literature in individuals affected with NLRP1-related conditions. This variant is not present in population databases (gnomAD no frequency). This sequence change replaces serine, which is neutral and polar, with leucine, which is neutral and non-polar, at codon 132 of the NLRP1 protein (p.Ser132Leu).

Institute for Clinical Genetics, University Hospital TU Dresden, University Hospital TU Dresden
Classification: Uncertain significance. Last evaluated: 2022-07-13. Review status: criteria provided, single submitter. Criteria: ACMG Guidelines, 2015. Collection method: clinical testing. Allele origin: germline.
Comment: PM2_SUP